The following is an entry in ClinVar:

ClinVar aggregate classification (germline): Likely benign. Review status: criteria provided, multiple submitters, no conflicts (2 of 4 stars). 2 submissions from 2 submitters: Likely benign (2). Last evaluated 2018-01-13.

Conditions:
Leber congenital amaurosis 5 (LCA5). Also called: Amaurosis congenita of Leber, type 5. Identifiers: Orphanet 65, MedGen C1858301, MONDO:0011473, OMIM 604537.

Allele frequency attached by ClinVar (database versions not stated): gnomAD 0.02170 and 0.02321; TOPMed 0.02416; 1000 Genomes Project 0.02436; 1000 Genomes Project 30x 0.02608.

Submissions (2):

Illumina Laboratory Services, Illumina
Classification: Likely benign for Leber congenital amaurosis 5. Last evaluated: 2018-01-13. Review status: criteria provided, single submitter. Criteria: ICSL Variant Classification Criteria 13 December 2019. Collection method: clinical testing. Allele origin: germline.
Comment: This variant was observed in the ICSL laboratory as part of a predisposition screen in an ostensibly healthy population. It had not been previously curated by ICSL or reported in the Human Gene Mutation Database (HGMD: prior to June 1st, 2018), and was therefore a candidate for classification through an automated scoring system. Utilizing variant allele frequency, disease prevalence and penetrance estimates, and inheritance mode, an automated score was calculated to assess if this variant is too frequent to cause the disease. Based on the score and internal cut-off values, a variant classified as likely benign is not then subjected to further curation. The score for this variant resulted in a classification of likely benign for this disease.

Breakthrough Genomics
Classification: Likely benign. Review status: criteria provided, single submitter. Criteria: ACMG Guidelines, 2015. Collection method: not provided. Allele origin: germline. Inheritance: Autosomal recessive inheritance. Affected: yes.

NM_001122769.3(LCA5):c.*1495G>A

Gene: LCA5 (lebercilin LCA5; minus strand). Cytogenetic location: 6q14.1.
Variant type: single nucleotide variant.
Coding change: c.*1495G>A on transcript NM_001122769.3 (MANE Select); 1495 bases downstream of the stop codon, G replaced by A.
Molecular consequence: 3 prime UTR variant.
Genome position (GRCh38, 1-based): chr6:79,485,509, C>T on the plus strand (G>A on the coding strand, the complement: LCA5 is on the minus strand). VCF-style: chr6-79485509-C-T. GRCh37 (hg19) VCF-style: chr6-80195226-C-T.
Other names: c.*1495G>A (NM_181714.4).
Identifiers: ClinVar variation 911093 (VCV000911093.5), dbSNP rs76104104, ClinGen allele CA141859131.